The following is an entry in ClinVar:

ClinVar aggregate classification (germline): Uncertain significance (1 of 4 stars; one submission).

Submission:

Labcorp Genetics (formerly Invitae), Labcorp
Classification: Uncertain significance. Last evaluated: 2023-12-29. Review status: criteria provided, single submitter. Criteria: Invitae Variant Classification Sherloc (09022015). Collection method: clinical testing. Allele origin: germline.
Comment: This sequence change replaces lysine, which is basic and polar, with methionine, which is neutral and non-polar, at codon 1953 of the FN1 protein (p.Lys1953Met). This variant is not present in population databases (gnomAD no frequency). This variant has not been reported in the literature in individuals affected with FN1-related conditions. An algorithm developed to predict the effect of missense changes on protein structure and function (PolyPhen-2) suggests that this variant is likely to be tolerated. In summary, the available evidence is currently insufficient to determine the role of this variant in disease. Therefore, it has been classified as a Variant of Uncertain Significance.

NM_212482.4(FN1):c.5858A>T (p.Lys1953Met)

Genes: FN1 (fibronectin 1; minus strand), LOC126806496 (CDK7 strongly-dependent group 2 enhancer GRCh37_chr2:216240057-216241256; plus strand). Cytogenetic location: 2q35.
Variant type: single nucleotide variant.
Coding change: c.5858A>T on transcript NM_212482.4 (MANE Select); coding-DNA position 5858, A replaced by T.
Protein change: p.Lys1953Met; replaces lysine 1953 with methionine.
Molecular consequence: missense variant.
Genome position (GRCh38, 1-based): chr2:215,376,527, T>A on the plus strand (A>T on the coding strand, the complement: FN1 is on the minus strand). VCF-style: chr2-215376527-T-A. GRCh37 (hg19) VCF-style: chr2-216241250-T-A.
Other names: c.5858A>T, p.Lys1953Met (NM_001306129.2); c.5588A>T, p.Lys1863Met (NM_001306130.2, NM_001365517.2, NM_001365519.2 and 2 more transcripts); c.5315A>T, p.Lys1772Met (NM_001306131.2, NM_001306132.2, NM_001365523.2 and 2 more transcripts); c.5585A>T, p.Lys1862Met (NM_001365518.2, NM_001365520.2, NM_001365524.2 and 2 more transcripts); short protein forms K1953M, K1863M, K1772M, K1862M.
Identifiers: ClinVar variation 2706193 (VCV002706193.3), dbSNP rs2469426915, ClinGen allele CA350471203.